The following is an entry in ClinVar:

ClinVar aggregate classification (germline): Benign/Likely benign. Review status: criteria provided, multiple submitters, no conflicts (2 of 4 stars). 3 submissions from 3 submitters: Benign (1); Likely benign (2). Last evaluated 2026-04-15.

Allele frequency attached by ClinVar (database versions not stated): 1000 Genomes Project 0.00040; 1000 Genomes Project 30x 0.00047; TOPMed 0.00337; gnomAD 0.00399; ExAC 0.01010.
gnomAD v4.1: 9,046 of 1,483,026 alleles (0.61%); highest among the groups gnomAD compares: Non-Finnish European, 0.74%; 46 homozygotes.

Submissions (3):

Women's Health and Genetics/Laboratory Corporation of America, LabCorp
Classification: Benign. Last evaluated: 2026-04-15. Review status: criteria provided, single submitter. Criteria: LabCorp Variant Classification Summary - May 2015. Collection method: clinical testing. Allele origin: germline.
Comment: Variant summary: ZNF469 c.-18C>A is located in the untranslated mRNA region upstream of the initiation codon. The variant allele was found at a frequency of 0.0061 in 1483026 control chromosomes in the gnomAD database, including 46 homozygotes. The observed variant frequency exceeds the estimated maximal expected allele frequency for disease-causing variants in ZNF469. To our knowledge, no occurrence of c.-18C>A in individuals affected with ZNF469-related conditions and no experimental evidence demonstrating its impact on protein function have been reported. ClinVar contains an entry for this variant (Variation ID: 390584). Based on the evidence outlined above, the variant was classified as benign.

Blueprint Genetics
Classification: Likely benign. Last evaluated: 2024-11-27. Review status: criteria provided, single submitter. Criteria: ACMG Guidelines, 2015. Collection method: clinical testing. Allele origin: germline.

GeneDx
Classification: Likely benign. Last evaluated: 2017-11-16. Review status: criteria provided, single submitter. Criteria: GeneDx Variant Classification (06012015). Collection method: clinical testing. Allele origin: germline. Affected: yes.
Comment: This variant is considered likely benign or benign based on one or more of the following criteria: it is a conservative change, it occurs at a poorly conserved position in the protein, it is predicted to be benign by multiple in silico algorithms, and/or has population frequency not consistent with disease.

NM_001367624.2(ZNF469):c.-18C>A

Gene: ZNF469 (zinc finger protein 469; plus strand). Cytogenetic location: 16q24.2.
Variant type: single nucleotide variant.
Coding change: c.-18C>A on transcript NM_001367624.2 (MANE Select); 18 bases upstream of the start codon, C replaced by A.
Genome position (GRCh38, 1-based): chr16:88,427,453, C>A. VCF-style: chr16-88427453-C-A. GRCh37 (hg19) VCF-style: chr16-88493861-C-A.
Identifiers: ClinVar variation 390584 (VCV000390584.3), dbSNP rs568661500, ClinGen allele CA8224559.
Genomic context (GRCh38, chr16:88,427,453, plus strand): 5'-CTGAGGATGGCCGTCCAGCCCACTCCCCAGGGCCCCCCTCGGACAGCTGCGTCGTCCTAG[C>A]GCCAGGACGGAGGGGCCATGCCTGGGGAGCGCCCCCGAGGAGCGCCGCCCCCCACCATGA-3'